The following is an entry in ClinVar:

ClinVar aggregate classification (germline): Uncertain significance (1 of 4 stars; one submission).

Conditions:
Idiopathic generalized epilepsy. Also called: Generalised epilepsy; EIG. Identifiers: MedGen C0270850, MONDO:0005579, OMIM 600669.

gnomAD v4.1: 1 of 1,550,836 alleles (0.000064%); highest among the groups gnomAD compares: South Asian, 0.0012%; no homozygotes.

Submission:

Labcorp Genetics (formerly Invitae), Labcorp
Classification: Uncertain significance for Idiopathic generalized epilepsy. Last evaluated: 2024-10-29. Review status: criteria provided, single submitter. Criteria: Invitae Variant Classification Sherloc (09022015). Collection method: clinical testing. Allele origin: germline.
Comment: This sequence change falls in intron 9 of the RBFOX3 gene. It does not directly change the encoded amino acid sequence of the RBFOX3 protein. It affects a nucleotide within the consensus splice site. This variant is not present in population databases (gnomAD no frequency). This variant has not been reported in the literature in individuals affected with RBFOX3-related conditions. Variants that disrupt the consensus splice site are a relatively common cause of aberrant splicing (PMID: 17576681, 9536098). Algorithms developed to predict the effect of sequence changes on RNA splicing suggest that this variant is not likely to affect RNA splicing. In summary, the available evidence is currently insufficient to determine the role of this variant in disease. Therefore, it has been classified as a Variant of Uncertain Significance.

Literature cited by the submitters: PubMed 17576681; PubMed 9536098.

NM_001350451.2(RBFOX3):c.568+6G>A

Gene: RBFOX3 (RNA binding fox-1 homolog 3; minus strand). Cytogenetic location: 17q25.3.
Variant type: single nucleotide variant.
Coding change: c.568+6G>A on transcript NM_001350451.2 (MANE Select); 6 bases into the intron after coding-DNA position 568, G replaced by A.
Molecular consequence: intron variant.
Genome position (GRCh38, 1-based): chr17:79,101,578, C>T on the plus strand (G>A on the coding strand, the complement: RBFOX3 is on the minus strand). VCF-style: chr17-79101578-C-T. GRCh37 (hg19) VCF-style: chr17-77097660-C-T.
Other names: c.568+6G>A (NM_001385827.1, NM_001385818.1, NM_001385839.1 and 34 more transcripts); c.565+6G>A (NM_001385845.1, NM_001385843.1, NM_001385823.1 and 4 more transcripts); c.421+6G>A (NM_001385847.1); c.475+6G>A (NM_001385824.1).
Identifiers: ClinVar variation 2704116 (VCV002704116.3), dbSNP rs953699995, ClinGen allele CA2277312060.